The following is an entry in ClinVar:

NM_001130009.3(GEN1):c.2164G>T (p.Asp722Tyr)

Gene: GEN1 (GEN1 structure-specific endonuclease; plus strand). Cytogenetic location: 2p24.2.
Variant type: single nucleotide variant.
Coding change: c.2164G>T on transcript NM_001130009.3 (MANE Select); coding-DNA position 2164, G replaced by T.
Protein change: p.Asp722Tyr; replaces aspartic acid 722 with tyrosine.
Molecular consequence: missense variant.
Genome position (GRCh38, 1-based): chr2:17,781,376, G>T. VCF-style: chr2-17781376-G-T. GRCh37 (hg19) VCF-style: chr2-17962643-G-T.
Other names: c.2164G>T, p.Asp722Tyr (NM_182625.5); c.2164G>T (NM_001130009.1); short protein forms D722Y.
Identifiers: ClinVar variation 1422693 (VCV001422693.9), dbSNP rs1672825585, ClinGen allele CA345927444.

ClinVar aggregate classification (germline): Uncertain significance. Review status: criteria provided, multiple submitters, no conflicts (2 of 4 stars). 2 submissions from 2 submitters: Uncertain significance (2). Last evaluated 2025-06-09.

Allele frequency attached by ClinVar (database versions not stated): TOPMed below 0.00001.

Submissions (2):

Ambry Genetics
Classification: Uncertain significance. Last evaluated: 2025-06-09. Review status: criteria provided, single submitter. Criteria: Ambry Variant Classification Scheme 2023. Collection method: clinical testing. Allele origin: germline.
Comment: The p.D722Y variant (also known as c.2164G>T), located in coding exon 13 of the GEN1 gene, results from a G to T substitution at nucleotide position 2164. The aspartic acid at codon 722 is replaced by tyrosine, an amino acid with highly dissimilar properties. This amino acid position is conserved. In addition, this alteration is predicted to be tolerated by in silico analysis. Based on the available evidence, the clinical significance of this variant remains unclear.

Labcorp Genetics (formerly Invitae), Labcorp
Classification: Uncertain significance. Last evaluated: 2022-06-13. Review status: criteria provided, single submitter. Criteria: Invitae Variant Classification Sherloc (09022015). Collection method: clinical testing. Allele origin: germline.
Comment: This sequence change replaces aspartic acid, which is acidic and polar, with tyrosine, which is neutral and polar, at codon 722 of the GEN1 protein (p.Asp722Tyr). In summary, the available evidence is currently insufficient to determine the role of this variant in disease. Therefore, it has been classified as a Variant of Uncertain Significance. Algorithms developed to predict the effect of sequence changes on RNA splicing suggest that this variant may create or strengthen a splice site. Algorithms developed to predict the effect of missense changes on protein structure and function are either unavailable or do not agree on the potential impact of this missense change (SIFT: "Tolerated"; PolyPhen-2: "Possibly Damaging"; Align-GVGD: "Class C0"). This variant has not been reported in the literature in individuals affected with GEN1-related conditions. This variant is not present in population databases (gnomAD no frequency).